The following is an entry in ClinVar:

NM_006005.3(WFS1):c.124del (p.Arg42fs)

Gene: WFS1 (wolframin ER transmembrane glycoprotein; plus strand). Cytogenetic location: 4p16.1.
Variant type: Deletion.
Coding change: c.124del on transcript NM_006005.3 (MANE Select); coding-DNA position 124, one base deleted (C; older notation c.124delC).
Protein change: p.Arg42fs; shifts the reading frame from arginine 42.
Molecular consequence: frameshift variant.
Genome position (GRCh38, 1-based): chr4:6,277,579, C deleted; the last of 4 consecutive C bases (chr4:6,277,576-6,277,579); deleting any one gives the same sequence. VCF-style (leftmost placement, unchanged base first): chr4-6277575-GC-G. GRCh37 (hg19) VCF-style: chr4-6279302-GC-G.
Other names: c.124del, p.Arg42fs (NM_001145853.1); c.124delC (NM_006005.3); short protein forms R42fs.
Identifiers: ClinVar variation 424071 (VCV000424071.3), dbSNP rs1064796781, ClinGen allele CA16618050.

ClinVar aggregate classification (germline): Pathogenic. Review status: criteria provided, multiple submitters, no conflicts (2 of 4 stars). 2 submissions from 2 submitters: Pathogenic (2). Last evaluated 2017-03-09.

Conditions:
Wolfram syndrome 1 (WFS1). Identifiers: Orphanet 3463, MedGen C4551693, MONDO:0009101, OMIM 222300.

Submissions (2):

GeneDx
Classification: Pathogenic. Last evaluated: 2017-03-09. Review status: criteria provided, single submitter. Criteria: GeneDx Variant Classification (06012015). Collection method: clinical testing. Allele origin: germline. Affected: yes.
Comment: The c.124delC variant in the WFS1 gene has not been reported previously as a pathogenic variant nor as a benign variant, to our knowledge. The c.124delC variant causes a frameshift starting with codon Arginine 42, changes this amino acid to a Glutamic acid residue, and creates a premature Stop codon at position 101 of the new reading frame, denoted p.Arg42GlufsX101. This variant is predicted to cause loss of normal protein function either through protein truncation or nonsense-mediated mRNA decay. The c.124delC variant is not observed in large population cohorts (Lek et al., 2016; 1000 Genomes Consortium et al., 2015; Exome Variant Server). We interpret c.124delC as a pathogenic variant.

Clinical Genomics, Uppaluri K&H Personalized Medicine Clinic
Classification: Pathogenic for Wolfram syndrome 1. Review status: criteria provided, single submitter. Criteria: K & H Uppaluri Personalized Medicine Clinic Variant Classification & Assertion Criteria_Updated V.1. Collection method: research. Allele origin: unknown. Inheritance: Autosomal recessive inheritance.
Comment: Potent mutations in WFS1 gene are associated with Wolfram's syndrome, an autosomal recessive condition, which cause diabetes mellitus, diabetes insipidus, deafness and optic atrophy. However no sufficient evidence is found to ascertain the role of this particular variant rs1064796781 in Wolfram's syndrome yet.

Literature cited by the submitters: PubMed 20738327 (cited by Clinical Genomics, Uppaluri K&H Personalized Medicine Clinic); PubMed 33879153 (cited by Clinical Genomics, Uppaluri K&H Personalized Medicine Clinic); PubMed 12955714 (cited by Clinical Genomics, Uppaluri K&H Personalized Medicine Clinic); PubMed 18060660 (cited by Clinical Genomics, Uppaluri K&H Personalized Medicine Clinic); PubMed 20301750 (cited by Clinical Genomics, Uppaluri K&H Personalized Medicine Clinic); PubMed 17603484 (cited by Clinical Genomics, Uppaluri K&H Personalized Medicine Clinic).